The following is an entry in ClinVar:

ClinVar aggregate classification (germline): Uncertain significance. Review status: criteria provided, multiple submitters, no conflicts (2 of 4 stars). 2 submissions from 2 submitters: Uncertain significance (2). Last evaluated 2024-09-24.

Conditions:
Epidermolysis bullosa, junctional 5A, intermediate. Also called: EPIDERMOLYSIS BULLOSA, JUNCTIONAL 5A, GENERALIZED INTERMEDIATE; EPIDERMOLYSIS BULLOSA, JUNCTIONAL 5A, NON-HERLITZ TYPE. Identifiers: MedGen C5676956, MONDO:0030768, OMIM 619816.
Junctional epidermolysis bullosa with pyloric atresia. Also called: APLASIA CUTIS CONGENITA WITH GASTROINTESTINAL ATRESIA; CARMI SYNDROME; EB-PA-ACC; Epidermolysis bullosa, junctional, with pyloric atresia and aplasia cutis congenita; Epidermolysis bullosa junctionalis with pyloric atresia; ITGB4-Related Epidermolysis Bullosa with Pyloric Atresia. Identifiers: Orphanet 79403, MedGen C5676875, MONDO:0009183, OMIM 226730.

Submissions (2):

GeneDx
Classification: Uncertain significance. Last evaluated: 2024-09-24. Review status: criteria provided, single submitter. Criteria: GeneDx Variant Classification Process June 2021. Collection method: clinical testing. Allele origin: germline. Affected: yes.
Comment: Not observed at significant frequency in large population cohorts (gnomAD); In silico analysis indicates that this missense variant does not alter protein structure/function; Has not been previously published as pathogenic or benign to our knowledge

Fulgent Genetics
Classification: Uncertain significance for Junctional epidermolysis bullosa with pyloric atresia; Epidermolysis bullosa, junctional 5A, intermediate. Last evaluated: 2024-03-21. Review status: criteria provided, single submitter. Criteria: ACMG Guidelines, 2015. Collection method: clinical testing. Allele origin: germline.

NM_000213.5(ITGB4):c.3338C>A (p.Thr1113Lys)

Gene: ITGB4 (integrin subunit beta 4; plus strand). Cytogenetic location: 17q25.1.
Variant type: single nucleotide variant.
Coding change: c.3338C>A on transcript NM_000213.5 (MANE Select); coding-DNA position 3338, C replaced by A.
Protein change: p.Thr1113Lys; replaces threonine 1113 with lysine.
Molecular consequence: missense variant.
Genome position (GRCh38, 1-based): chr17:75,750,132, C>A. VCF-style: chr17-75750132-C-A. GRCh37 (hg19) VCF-style: chr17-73746213-C-A.
Other names: c.3338C>A, p.Thr1113Lys (NM_001005619.2, NM_001005731.3, NM_001321123.2); c.3338C>A (NM_000213.3); short protein forms T1113K.
Identifiers: ClinVar variation 3582963 (VCV003582963.2).